The following is an entry in ClinVar:

NM_024422.6(DSC2):c.1783G>T (p.Val595Phe)

Gene: DSC2 (desmocollin 2; minus strand). Cytogenetic location: 18q12.1.
Variant type: single nucleotide variant.
Coding change: c.1783G>T on transcript NM_024422.6 (MANE Select); coding-DNA position 1783, G replaced by T.
Protein change: p.Val595Phe; replaces valine 595 with phenylalanine.
Molecular consequence: missense variant.
Genome position (GRCh38, 1-based): chr18:31,074,788, C>A on the plus strand (G>T on the coding strand, the complement: DSC2 is on the minus strand). VCF-style: chr18-31074788-C-A. GRCh37 (hg19) VCF-style: chr18-28654754-C-A.
Other names: c.1354G>T, p.Val452Phe (NM_001406506.1, NM_001406507.1); c.1783G>T, p.Val595Phe (NM_004949.5); short protein forms V595F, V452F.
Identifiers: ClinVar variation 1780050 (VCV001780050.4), dbSNP rs1447974524, ClinGen allele CA402114026.

ClinVar aggregate classification (germline): Uncertain significance. Review status: criteria provided, multiple submitters, no conflicts (2 of 4 stars). 2 submissions from 2 submitters: Uncertain significance (2). Last evaluated 2024-02-16.

Conditions:
Arrhythmogenic right ventricular dysplasia 11. Also called: Arrhythmogenic Right Ventricular Dysplasia/Cardiomyopathy11; ARRHYTHMOGENIC RIGHT VENTRICULAR DYSPLASIA, FAMILIAL, 11; Arrhythmogenic right ventricular dysplasia 11 with mild palmoplantar keratoderma and woolly hair. Identifiers: MedGen C1864850, MONDO:0012506, OMIM 610476.
Cardiovascular phenotype. Identifiers: MedGen CN230736.

Submissions (2):

Labcorp Genetics (formerly Invitae), Labcorp
Classification: Uncertain significance for Arrhythmogenic right ventricular dysplasia 11. Last evaluated: 2024-02-16. Review status: criteria provided, single submitter. Criteria: Invitae Variant Classification Sherloc (09022015). Collection method: clinical testing. Allele origin: germline.
Comment: This sequence change replaces valine, which is neutral and non-polar, with phenylalanine, which is neutral and non-polar, at codon 595 of the DSC2 protein (p.Val595Phe). This variant is not present in population databases (gnomAD no frequency). This variant has not been reported in the literature in individuals affected with DSC2-related conditions. ClinVar contains an entry for this variant (Variation ID: 1780050). Advanced modeling of protein sequence and biophysical properties (such as structural, functional, and spatial information, amino acid conservation, physicochemical variation, residue mobility, and thermodynamic stability) performed at Invitae indicates that this missense variant is not expected to disrupt DSC2 protein function with a negative predictive value of 80%. In summary, the available evidence is currently insufficient to determine the role of this variant in disease. Therefore, it has been classified as a Variant of Uncertain Significance.

Ambry Genetics
Classification: Uncertain significance for Cardiovascular phenotype. Last evaluated: 2021-09-20. Review status: criteria provided, single submitter. Criteria: Ambry Variant Classification Scheme 2023. Collection method: clinical testing. Allele origin: germline.
Comment: The p.V595F variant (also known as c.1783G>T), located in coding exon 12 of the DSC2 gene, results from a G to T substitution at nucleotide position 1783. The valine at codon 595 is replaced by phenylalanine, an amino acid with highly similar properties. This amino acid position is conserved. In addition, the in silico prediction for this alteration is inconclusive. Since supporting evidence is limited at this time, the clinical significance of this alteration remains unclear.